The following is an entry in ClinVar:

NM_000353.3(TAT):c.929T>C (p.Val310Ala)

Genes: TAT (tyrosine aminotransferase; minus strand), TAT-AS1 (TAT antisense RNA 1; plus strand). Cytogenetic location: 16q22.2.
Variant type: single nucleotide variant.
Coding change: c.929T>C on transcript NM_000353.3 (MANE Select); coding-DNA position 929, T replaced by C.
Protein change: p.Val310Ala; replaces valine 310 with alanine.
Molecular consequence: missense variant.
Genome position (GRCh38, 1-based): chr16:71,570,381, A>G on the plus strand (T>C on the coding strand, the complement: TAT is on the minus strand). VCF-style: chr16-71570381-A-G. GRCh37 (hg19) VCF-style: chr16-71604284-A-G.
Other names: short protein forms V310A.
Identifiers: ClinVar variation 710399 (VCV000710399.14), dbSNP rs143213566, ClinGen allele CA8153847.

ClinVar aggregate classification (germline): Likely benign. Review status: criteria provided, multiple submitters, no conflicts (2 of 4 stars). 3 submissions from 3 submitters: Likely benign (2). 1 of the submissions does not count toward it. Last evaluated 2026-02-02.

Conditions:
TAT-related disorder. Also called: TAT-related condition.
Tyrosinemia type II (TYRSN2). Also called: KERATOSIS PALMOPLANTARIS WITH CORNEAL DYSTROPHY; OREGON TYPE TYROSINEMIA; TAT DEFICIENCY; TYROSINE AMINOTRANSFERASE DEFICIENCY; TYROSINE TRANSAMINASE DEFICIENCY. Identifiers: Orphanet 28378, MedGen C0268487, MONDO:0010160, OMIM 276600.

Allele frequency attached by ClinVar (database versions not stated): ExAC 0.00023; gnomAD 0.00075 and 0.00076; TOPMed 0.00077; ESP Exome Variant Server 0.00092; 1000 Genomes Project 0.00120; 1000 Genomes Project 30x 0.00125.

Submissions (3):

Labcorp Genetics (formerly Invitae), Labcorp
Classification: Likely benign for Tyrosinemia type II. Last evaluated: 2026-02-02. Review status: criteria provided, single submitter. Criteria: Invitae Variant Classification Sherloc (09022015). Collection method: clinical testing. Allele origin: germline.

Breakthrough Genomics
Classification: Likely benign. Review status: criteria provided, single submitter. Criteria: ACMG Guidelines, 2015. Collection method: not provided. Allele origin: germline. Inheritance: Autosomal recessive inheritance. Affected: yes.

PreventionGenetics, part of Exact Sciences
Classification: Likely benign for TAT-related condition. Last evaluated: 2023-03-02. Review status: no assertion criteria provided. Collection method: clinical testing. Allele origin: germline. Not counted in ClinVar's aggregate classification.
Comment: This variant is classified as likely benign based on ACMG/AMP sequence variant interpretation guidelines (Richards et al. 2015 PMID: 25741868, with internal and published modifications).